The following is an entry in ClinVar:

NM_007294.4(BRCA1):c.1073T>C (p.Leu358Pro)

Gene: BRCA1 (BRCA1 DNA repair associated; minus strand). Cytogenetic location: 17q21.31.
Variant type: single nucleotide variant.
Coding change: c.1073T>C on transcript NM_007294.4 (MANE Select); coding-DNA position 1073, T replaced by C.
Protein change: p.Leu358Pro; replaces leucine 358 with proline.
Molecular consequence: missense variant. On other transcripts: intron variant (137).
Genome position (GRCh38, 1-based): chr17:43,094,458, A>G on the plus strand (T>C on the coding strand, the complement: BRCA1 is on the minus strand). VCF-style: chr17-43094458-A-G. GRCh37 (hg19) VCF-style: chr17-41246475-A-G.
Other names: c.860T>C, p.Leu287Pro (NM_001407917.1, NM_001407918.1, NM_001407571.1 and 9 more transcripts); c.950T>C, p.Leu317Pro (NM_001407919.1, NM_001407937.1, NM_001407938.1 and 19 more transcripts); c.809T>C, p.Leu270Pro (NM_001407920.1, NM_001407921.1, NM_001407922.1 and 9 more transcripts); c.806T>C, p.Leu269Pro (NM_001407930.1, NM_001407931.1, NM_001407932.1 and 2 more transcripts); c.947T>C, p.Leu316Pro (NM_001407940.1, NM_001407941.1, NM_001407649.1 and 11 more transcripts); c.932T>C, p.Leu311Pro (NM_001407942.1, NM_001407944.1, NM_001407945.1 and 29 more transcripts); c.929T>C, p.Leu310Pro (NM_001407943.1, NM_001407964.1, NM_001407740.1 and 20 more transcripts); c.740T>C, p.Leu247Pro (NM_001407946.1, NM_001407947.1, NM_001407948.1 and 6 more transcripts); and 40 more; short protein forms L230P, L247P, L288P, L331P, L287P, L311P, L316P, L190P.
Identifiers: ClinVar variation 1784220 (VCV001784220.4), dbSNP rs2154477737, ClinGen allele CA10599910.

ClinVar aggregate classification (germline): Likely benign. Review status: criteria provided, multiple submitters, no conflicts (2 of 4 stars). 2 submissions from 2 submitters: Likely benign (2). Last evaluated 2023-03-23.

Conditions:
Hereditary cancer-predisposing syndrome. Also called: Neoplastic Syndromes, Hereditary; Tumor predisposition; Hereditary Cancer Syndrome; Hereditary neoplastic syndrome. Identifiers: Orphanet 140162, MedGen C0027672, MeSH D009386, MONDO:0015356.

Submissions (2):

University of Washington Department of Laboratory Medicine, University of Washington
Classification: Likely benign for Hereditary cancer-predisposing syndrome. Last evaluated: 2023-03-23. Review status: criteria provided, single submitter. Criteria: Dines et al. (Genet Med. 2020). Collection method: curation. Allele origin: germline.
Comment: Missense variant in a coldspot region where missense variants are very unlikely to be pathogenic (PMID:31911673).

BRCA1 coldspot (exon 11 using historical exon numbering). Reclassification based on statistical prior probability

Ambry Genetics
Classification: Likely benign for Hereditary cancer-predisposing syndrome. Last evaluated: 2021-12-04. Review status: criteria provided, single submitter. Criteria: Ambry Variant Classification Scheme 2023. Collection method: clinical testing. Allele origin: germline.